The following is an entry in ClinVar:

ClinVar aggregate classification (germline): Pathogenic/Likely pathogenic. Review status: criteria provided, multiple submitters, no conflicts (2 of 4 stars). 2 submissions from 2 submitters: Pathogenic (1); Likely pathogenic (1). Last evaluated 2025-11-20.

Conditions:
Intellectual disability-microcephaly-strabismus-behavioral abnormalities syndrome. Also called: White-Sutton Syndrome. Identifiers: Orphanet 468678, MedGen C4225351, MONDO:0014606, OMIM 616364.

Submissions (2):

Clinical Genomics Laboratory, Washington University in St. Louis
Classification: Likely pathogenic for Intellectual disability-microcephaly-strabismus-behavioral abnormalities syndrome. Last evaluated: 2025-11-20. Review status: criteria provided, single submitter. Criteria: ACMG Guidelines, 2015. Collection method: clinical testing. Allele origin: germline. Affected: yes.
Comment: The POGZ c.2162C>G (p.Ser721*) variant, to our knowledge, has not been reported in the medical literature but has been reported in ClinVar as a germline pathogenic de novo variant by one submitter with a patient with POGZ-intellectual disability syndrome. This variant causes a premature termination codon, which is predicted to lead to nonsense mediated decay. This variant is absent from the general population (gnomAD v2.1.1), indicating it is not a common variant. Based on available information and the ACMG/AMP guidelines for variant interpretation (Richards S et al., PMID: 25741868), this variant is classified as likely pathogenic.

Institute of Human Genetics, University of Goettingen
Classification: Pathogenic for Intellectual disability-microcephaly-strabismus-behavioral abnormalities syndrome. Last evaluated: 2024-04-25. Review status: criteria provided, single submitter. Criteria: ACMG Guidelines, 2015. Collection method: clinical testing. Allele origin: de novo. Inheritance: Sporadic. Affected: yes. Observed: 1 heterozygote.
Comment: The variant c.2162C>G (p.(Ser721*)) in exon 14 of the POGZ gene is not found in the gnomAD database and generates a 'Nonsense' as coding effect at position 721 and interrupts the reading frame prematurely. ACMG criteria used for classification: PVS1, PS2, PM2_sup.

NM_015100.4(POGZ):c.2162C>G (p.Ser721Ter)

Gene: POGZ (pogo transposable element derived with ZNF domain; minus strand). Cytogenetic location: 1q21.3.
Variant type: single nucleotide variant.
Coding change: c.2162C>G on transcript NM_015100.4 (MANE Select); coding-DNA position 2162, C replaced by G.
Protein change: p.Ser721Ter; replaces serine 721 with a stop codon.
Molecular consequence: nonsense.
Genome position (GRCh38, 1-based): chr1:151,408,481, G>C on the plus strand (C>G on the coding strand, the complement: POGZ is on the minus strand). VCF-style: chr1-151408481-G-C. GRCh37 (hg19) VCF-style: chr1-151380957-G-C.
Other names: c.2135C>G, p.Ser712Ter (NM_001194937.2); c.1976C>G, p.Ser659Ter (NM_001194938.2); c.2183C>G, p.Ser728Ter (NM_001410860.1); c.1877C>G, p.Ser626Ter (NM_145796.4); c.2003C>G, p.Ser668Ter (NM_207171.2); short protein forms S626*, S659*, S668*, S712*, S721*, S728*.
Identifiers: ClinVar variation 3233282 (VCV003233282.3), dbSNP rs1398613872, ClinGen allele CA341956561.